The following is an entry in ClinVar:

NM_138386.3(NAF1):c.1316C>T (p.Pro439Leu)

Gene: NAF1 (nuclear assembly factor 1 ribonucleoprotein; minus strand). Cytogenetic location: 4q32.2.
Variant type: single nucleotide variant.
Coding change: c.1316C>T on transcript NM_138386.3 (MANE Select); coding-DNA position 1316, C replaced by T.
Protein change: p.Pro439Leu; replaces proline 439 with leucine.
Molecular consequence: missense variant. On other transcripts: intron variant (1).
Genome position (GRCh38, 1-based): chr4:163,129,066, G>A on the plus strand (C>T on the coding strand, the complement: NAF1 is on the minus strand). VCF-style: chr4-163129066-G-A. GRCh37 (hg19) VCF-style: chr4-164050218-G-A.
Other names: c.1316C>T (NM_138386.2); c.1034-1951C>T (NM_001128931.2); short protein forms P439L.
Identifiers: ClinVar variation 3710701 (VCV003710701.3).

ClinVar aggregate classification (germline): Uncertain significance. Review status: criteria provided, multiple submitters, no conflicts (2 of 4 stars). 2 submissions from 2 submitters: Uncertain significance (2). Last evaluated 2026-09-17.

Conditions:
NAF1-related disorder. Also called: NAF1-related condition.

gnomAD v4.1: 1 of 1,499,282 alleles (0.000067%); highest among the groups gnomAD compares: Admixed American, 0.002%; no homozygotes.

Submissions (2):

PreventionGenetics, part of Exact Sciences
Classification: Uncertain significance for NAF1-related condition. Last evaluated: 2026-09-17. Review status: criteria provided, single submitter. Criteria: ACMG Guidelines, 2015. Collection method: clinical testing. Allele origin: germline.
Comment: The NAF1 c.1316C>T variant is predicted to result in the amino acid substitution p.Pro439Leu. To our knowledge, this variant has not been reported in the literature. This variant is reported in 0.0040% of alleles in individuals of Latino descent in gnomAD. At this time, the clinical significance of this variant is uncertain due to the absence of conclusive functional and genetic evidence.

Labcorp Genetics (formerly Invitae), Labcorp
Classification: Uncertain significance. Last evaluated: 2024-05-22. Review status: criteria provided, single submitter. Criteria: Invitae Variant Classification Sherloc (09022015). Collection method: clinical testing. Allele origin: germline.
Comment: This sequence change replaces proline, which is neutral and non-polar, with leucine, which is neutral and non-polar, at codon 439 of the NAF1 protein (p.Pro439Leu). This variant is present in population databases (rs762471745, gnomAD 0.004%). This variant has not been reported in the literature in individuals affected with NAF1-related conditions. An algorithm developed to predict the effect of missense changes on protein structure and function (PolyPhen-2) suggests that this variant is likely to be disruptive. In summary, the available evidence is currently insufficient to determine the role of this variant in disease. Therefore, it has been classified as a Variant of Uncertain Significance.